The following is an entry in ClinVar:

ClinVar aggregate classification (germline): Conflicting classifications of pathogenicity. Review status: criteria provided, conflicting classifications (1 of 4 stars). 5 submissions from 5 submitters: Uncertain significance (3); Likely benign (2). Last evaluated 2025-11-03.

Conditions:
Hemorrhage, intracerebral, susceptibility to (ICH). Also called: Stroke, hemorrhagic, susceptibility to. Identifiers: MedGen C3281105, MONDO:0100533, OMIM 614519.
Renal tubular dysgenesis of genetic origin. Also called: PRIMITIVE RENAL TUBULE SYNDROME. Identifiers: Orphanet 97369, MedGen C5681536, MONDO:0009970, OMIM 267430.
Microvascular complications of diabetes, susceptibility to, 3. Identifiers: MedGen C2675470, MONDO:0012963, OMIM 612624.
Renal tubular dysgenesis. Also called: Renotubular dysgenesis. Identifiers: Orphanet 3033, MedGen C0266313, MONDO:0017609, HP:0008660.
ACE-related disorder. Also called: ACE-related disorders; ACE-related condition.

Allele frequency attached by ClinVar (database versions not stated): ExAC 0.00030; ESP Exome Variant Server 0.00031; gnomAD exomes 0.00033 and 0.00070; gnomAD 0.00052 and 0.00111; TOPMed 0.00117.

Submissions (5):

PreventionGenetics, part of Exact Sciences
Classification: Likely benign for ACE-related condition. Last evaluated: 2025-11-03. Review status: criteria provided, single submitter. Criteria: ACMG Guidelines, 2015. Collection method: clinical testing. Allele origin: germline.
Comment: This variant is classified as likely benign based on ACMG/AMP sequence variant interpretation guidelines (Richards et al. 2015 PMID: 25741868, with internal and published modifications).

Blueprint Genetics
Classification: Uncertain significance. Last evaluated: 2024-11-20. Review status: criteria provided, single submitter. Criteria: ACMG Guidelines, 2015. Collection method: clinical testing. Allele origin: germline.

Fulgent Genetics
Classification: Likely benign for Renal tubular dysgenesis of genetic origin; Microvascular complications of diabetes, susceptibility to, 3; Hemorrhage, intracerebral, susceptibility to. Last evaluated: 2024-06-14. Review status: criteria provided, single submitter. Criteria: ACMG Guidelines, 2015. Collection method: clinical testing. Allele origin: germline.

Labcorp Genetics (formerly Invitae), Labcorp
Classification: Uncertain significance. Last evaluated: 2022-05-16. Review status: criteria provided, single submitter. Criteria: Invitae Variant Classification Sherloc (09022015). Collection method: clinical testing. Allele origin: germline.
Comment: This sequence change replaces glycine, which is neutral and non-polar, with arginine, which is basic and polar, at codon 267 of the ACE protein (p.Gly267Arg). This variant is present in population databases (rs149412997, gnomAD 0.06%). This variant has not been reported in the literature in individuals affected with ACE-related conditions. ClinVar contains an entry for this variant (Variation ID: 890455). Algorithms developed to predict the effect of missense changes on protein structure and function (SIFT, PolyPhen-2, Align-GVGD) all suggest that this variant is likely to be disruptive. Algorithms developed to predict the effect of sequence changes on RNA splicing suggest that this variant may create or strengthen a splice site. In summary, the available evidence is currently insufficient to determine the role of this variant in disease. Therefore, it has been classified as a Variant of Uncertain Significance.

Illumina Laboratory Services, Illumina
Classification: Uncertain significance for Renal tubular dysgenesis of genetic origin. Last evaluated: 2017-11-14. Review status: criteria provided, single submitter. Criteria: ICSL Variant Classification Criteria 13 December 2019. Collection method: clinical testing. Allele origin: germline.

NM_000789.4(ACE):c.799G>A (p.Gly267Arg)

Gene: ACE (angiotensin I converting enzyme; plus strand). Cytogenetic location: 17q23.3.
Variant type: single nucleotide variant.
Coding change: c.799G>A on transcript NM_000789.4 (MANE Select); coding-DNA position 799, G replaced by A.
Protein change: p.Gly267Arg; replaces glycine 267 with arginine.
Molecular consequence: missense variant.
Genome position (GRCh38, 1-based): chr17:63,480,480, G>A. VCF-style: chr17-63480480-G-A. GRCh37 (hg19) VCF-style: chr17-61557841-G-A.
Other names: short protein forms G267R.
Identifiers: ClinVar variation 890455 (VCV000890455.9), dbSNP rs149412997, ClinGen allele CA8699246.
Genomic context (GRCh38, chr17:63,480,480, plus strand): 5'-CTAGAGCCCCTCTACCTGAACCTCCATGCCTTCGTCCGCCGCGCACTGCATCGCCGATAC[G>A]GAGACAGATACATCAACCTCAGGGGACCCATCCCTGCTCATCTGCTGGGTAAGGACCTGG-3'
Protein context (NP_000780.1, residues 257-277): FVRRALHRRY[Gly267Arg]DRYINLRGPI